The following is an entry in ClinVar:

NM_001114753.3(ENG):c.1883C>T (p.Ala628Val)

Gene: ENG (endoglin; minus strand). Cytogenetic location: 9q34.11.
Variant type: single nucleotide variant.
Coding change: c.1883C>T on transcript NM_001114753.3 (MANE Select); coding-DNA position 1883, C replaced by T.
Protein change: p.Ala628Val; replaces alanine 628 with valine.
Molecular consequence: missense variant.
Genome position (GRCh38, 1-based): chr9:127,815,776, G>A on the plus strand (C>T on the coding strand, the complement: ENG is on the minus strand). VCF-style: chr9-127815776-G-A. GRCh37 (hg19) VCF-style: chr9-130578055-G-A.
Other names: c.*141C>T (NM_000118.4); c.1337C>T, p.Ala446Val (NM_001278138.2); short protein forms A446V, A628V.
Identifiers: ClinVar variation 1781928 (VCV001781928.6), dbSNP rs757113987, ClinGen allele CA5252588.
Genomic context (GRCh38, chr9:127,815,776, plus strand): 5'-TGGGTGCTCCCGATGCTGTGGTTGGTGCTGCTGCTCTCCGAGGAGGCCGGGGCAGCCACC[G>A]CCACCACGGGCTCCCGCTTGCTGGGGGAACCTGGGAGCGGGAGCGGGGGCAGGGGCGGAG-3'
Protein context (NP_001108225.1, residues 618-638): RSPSKREPVV[Ala628Val]VAAPASSESS

ClinVar aggregate classification (germline): Conflicting classifications of pathogenicity. Review status: criteria provided, conflicting classifications (1 of 4 stars). 3 submissions from 3 submitters: Uncertain significance (2); Likely benign (1). Last evaluated 2025-07-23.

Conditions:
Telangiectasia, hereditary hemorrhagic, type 1 (HHT1). Also called: Osler Weber Rendu syndrome type 1; ENG-Related Hereditary Hemorrhagic Telangiectasia. Identifiers: Orphanet 774, MedGen C4551861, MONDO:0008535, OMIM 187300. Disease mechanism: loss of function.
Cardiovascular phenotype. Identifiers: MedGen CN230736.

Allele frequency attached by ClinVar (database versions not stated): TOPMed 0.00002; gnomAD exomes 0.00004; gnomAD 0.00005; ExAC 0.00006.
gnomAD v4.1: 58 of 1,545,128 alleles (0.0038%); highest among the groups gnomAD compares: Middle Eastern, 0.062%; no homozygotes.

Submissions (3):

Ambry Genetics
Classification: Likely benign for Cardiovascular phenotype. Last evaluated: 2025-07-23. Review status: criteria provided, single submitter. Criteria: Ambry Variant Classification Scheme 2023. Collection method: clinical testing. Allele origin: germline.

ARUP Laboratories, Molecular Genetics and Genomics, ARUP Laboratories
Classification: Uncertain significance for Telangiectasia, hereditary hemorrhagic, type 1. Last evaluated: 2024-08-02. Review status: criteria provided, single submitter. Criteria: ARUP Molecular Germline Variant Investigation Process 2024. Collection method: clinical testing. Allele origin: germline.
Comment: The ENG c.1883C>T; p.Ala628Val variant (rs757113987, ClinVar Variation ID: 1781928) is reported in the literature in a family with cardiomyopathy (Abou Ziki 2021). This variant is observed in the general population with an overall allele frequency of 0.003% (6/178160 alleles) in the Genome Aggregation Database (v2.1.1). Computational analyses predict that the p.Ala628Val variant is neutral (REVEL: 0.145). Due to limited information, the clinical significance of this variant is uncertain at this time. References: Abou Ziki MD et al. Epistatic interaction of PDE4DIP and DES mutations in familial atrial fibrillation with slow conduction. Hum Mutat. 2021 Oct;42(10):1279-1293. PMID: 34289528.

Department of Pathology and Laboratory Medicine, Sinai Health System
Classification: Uncertain significance for Telangiectasia, hereditary hemorrhagic, type 1. Last evaluated: 2023-12-04. Review status: criteria provided, single submitter. Criteria: ACMG Guidelines, 2015. Collection method: research. Allele origin: germline.

Literature cited by the submitters: PubMed 28518168 (cited by Ambry Genetics); PubMed 32461654 (cited by Ambry Genetics); PubMed 36413997 (cited by Ambry Genetics).